The following is an entry in ClinVar:

NM_001042492.3(NF1):c.6434C>T (p.Thr2145Ile)

Gene: NF1 (neurofibromin 1; plus strand). Cytogenetic location: 17q11.2.
Variant type: single nucleotide variant.
Coding change: c.6434C>T on transcript NM_001042492.3 (MANE Select); coding-DNA position 6434, C replaced by T.
Protein change: p.Thr2145Ile; replaces threonine 2145 with isoleucine.
Molecular consequence: missense variant.
Genome position (GRCh38, 1-based): chr17:31,337,374, C>T. VCF-style: chr17-31337374-C-T. GRCh37 (hg19) VCF-style: chr17-29664392-C-T.
Other names: c.6371C>T, p.Thr2124Ile (NM_000267.4); short protein forms T2124I, T2145I.
Identifiers: ClinVar variation 660949 (VCV000660949.6), dbSNP rs1597843658, ClinGen allele CA399013001.

ClinVar aggregate classification (germline): Uncertain significance. Review status: criteria provided, multiple submitters, no conflicts (2 of 4 stars). 2 submissions from 2 submitters: Uncertain significance (2). Last evaluated 2025-03-03.

Conditions:
Hereditary cancer-predisposing syndrome. Also called: Neoplastic Syndromes, Hereditary; Hereditary neoplastic syndrome; Tumor predisposition; Hereditary Cancer Syndrome. Identifiers: Orphanet 140162, MedGen C0027672, MeSH D009386, MONDO:0015356.
Cardiovascular phenotype. Identifiers: MedGen CN230736.
Neurofibromatosis, type 1 (NF1). Also called: VON RECKLINGHAUSEN DISEASE; NEUROFIBROMATOSIS, TYPE I, SOMATIC; Peripheral type neurofibromatosis; Neurofibromatosis, type I. Identifiers: Orphanet 636, MedGen C0027831, MONDO:0018975, OMIM 162200. Disease mechanism: loss of function.

Submissions (2):

Ambry Genetics
Classification: Uncertain significance for Cardiovascular phenotype; Hereditary cancer-predisposing syndrome. Last evaluated: 2025-03-03. Review status: criteria provided, single submitter. Criteria: Ambry Variant Classification Scheme 2023. Collection method: clinical testing. Allele origin: germline.
Comment: The p.T2124I variant (also known as c.6371C>T), located in coding exon 42 of the NF1 gene, results from a C to T substitution at nucleotide position 6371. The threonine at codon 2124 is replaced by isoleucine, an amino acid with similar properties. This variant was identified in 0 of 7051 unselected female breast cancer patients and 1 of 11241 female controls of Japanese ancestry (Momozawa Y et al. Nat Commun, 2018 Oct;9:4083). This amino acid position is highly conserved in available vertebrate species. In addition, this alteration is predicted to be deleterious by in silico analysis. Based on the available evidence, the clinical significance of this variant remains unclear.

Labcorp Genetics (formerly Invitae), Labcorp
Classification: Uncertain significance for Neurofibromatosis, type 1. Last evaluated: 2020-02-03. Review status: criteria provided, single submitter. Criteria: Invitae Variant Classification Sherloc (09022015). Collection method: clinical testing. Allele origin: germline.
Comment: In summary, the available evidence is currently insufficient to determine the role of this variant in disease. Therefore, it has been classified as a Variant of Uncertain Significance. Algorithms developed to predict the effect of missense changes on protein structure and function are either unavailable or do not agree on the potential impact of this missense change (SIFT: "Deleterious"; PolyPhen-2: "Probably Damaging"; Align-GVGD: "Class C0"). This variant has not been reported in the literature in individuals with NF1-related disease. This variant is not present in population databases (ExAC no frequency). This sequence change replaces threonine with isoleucine at codon 2124 of the NF1 protein (p.Thr2124Ile). The threonine residue is moderately conserved and there is a moderate physicochemical difference between threonine and isoleucine.

Literature cited by the submitters: PubMed 30287823 (cited by Ambry Genetics).